The following is an entry in ClinVar:

NM_001613.4(ACTA2):c.50G>A (p.Gly17Glu)

Gene: ACTA2 (actin alpha 2, smooth muscle; minus strand). Cytogenetic location: 10q23.31.
Variant type: single nucleotide variant.
Coding change: c.50G>A on transcript NM_001613.4 (MANE Select); coding-DNA position 50, G replaced by A.
Protein change: p.Gly17Glu; replaces glycine 17 with glutamic acid.
Molecular consequence: missense variant.
Genome position (GRCh38, 1-based): chr10:88,948,881, C>T on the plus strand (G>A on the coding strand, the complement: ACTA2 is on the minus strand). VCF-style: chr10-88948881-C-T. GRCh37 (hg19) VCF-style: chr10-90708638-C-T.
Other names: c.50G>A, p.Gly17Glu (NM_001141945.3, NM_001320855.2, NM_001406462.1 and 7 more transcripts); short protein forms G17E.
Identifiers: ClinVar variation 4820004 (VCV004820004.1).

ClinVar aggregate classification (germline): Likely pathogenic (1 of 4 stars; one submission).

Conditions:
Familial thoracic aortic aneurysm and aortic dissection (TAAD). Also called: Thoracic aortic aneurysms and dissections. Identifiers: Orphanet 91387, MedGen C4707243, MONDO:0019625.

Submission:

Centre of Medical Genetics, University of Antwerp
Classification: Likely pathogenic for Familial thoracic aortic aneurysm and aortic dissection. Last evaluated: 2024-09-06. Review status: criteria provided, single submitter. Criteria: ACMG Guidelines, 2015. Collection method: clinical testing. Allele origin: germline. Affected: yes.
Comment: LP(PM2; PP2-3)